The following is an entry in ClinVar:

ClinVar aggregate classification (germline): Conflicting classifications of pathogenicity. Review status: criteria provided, conflicting classifications (1 of 4 stars). 2 submissions from 2 submitters: Uncertain significance (1); Likely benign (1). Last evaluated 2025-09-24.

Conditions:
Epilepsy, familial focal, with variable foci 3 (FFEVF3). Identifiers: MedGen C4310708, MONDO:0014925, OMIM 617118.
Inborn genetic diseases. Identifiers: MedGen C0950123, MeSH D030342.

Allele frequency attached by ClinVar (database versions not stated): gnomAD 0.00003 and 0.00004; TOPMed 0.00003; ExAC 0.00004; gnomAD exomes 0.00005 and 0.00010.
gnomAD v4.1: 145 of 1,574,398 alleles (0.0092%); highest among the groups gnomAD compares: Non-Finnish European, 0.012%; no homozygotes.

Submissions (2):

Labcorp Genetics (formerly Invitae), Labcorp
Classification: Uncertain significance for Epilepsy, familial focal, with variable foci 3. Last evaluated: 2025-09-24. Review status: criteria provided, single submitter. Criteria: Invitae Variant Classification Sherloc (09022015). Collection method: clinical testing. Allele origin: germline.
Comment: This sequence change replaces cysteine, which is neutral and slightly polar, with tryptophan, which is neutral and slightly polar, at codon 212 of the NPRL3 protein (p.Cys212Trp). This variant is present in population databases (rs769173039, gnomAD 0.009%). This variant has not been reported in the literature in individuals affected with NPRL3-related conditions. ClinVar contains an entry for this variant (Variation ID: 659430). Invitae Evidence Modeling of protein sequence and biophysical properties (such as structural, functional, and spatial information, amino acid conservation, physicochemical variation, residue mobility, and thermodynamic stability) indicates that this missense variant is not expected to disrupt NPRL3 protein function with a negative predictive value of 80%. In summary, the available evidence is currently insufficient to determine the role of this variant in disease. Therefore, it has been classified as a Variant of Uncertain Significance.

Ambry Genetics
Classification: Likely benign for Inborn genetic diseases. Last evaluated: 2024-01-23. Review status: criteria provided, single submitter. Criteria: Ambry Variant Classification Scheme 2023. Collection method: clinical testing. Allele origin: germline.

NM_001077350.3(NPRL3):c.636C>G (p.Cys212Trp)

Genes: HBA-LCR (alpha-globin locus control region; plus strand), NPRL3 (NPR3 like, GATOR1 complex subunit; minus strand). Cytogenetic location: 16p13.3.
Variant type: single nucleotide variant.
Coding change: c.636C>G on transcript NM_001077350.3 (MANE Select); coding-DNA position 636, C replaced by G.
Protein change: p.Cys212Trp; replaces cysteine 212 with tryptophan.
Molecular consequence: missense variant.
Genome position (GRCh38, 1-based): chr16:100,503, G>C on the plus strand (C>G on the coding strand, the complement: NPRL3 is on the minus strand). VCF-style: chr16-100503-G-C. GRCh37 (hg19) VCF-style: chr16-150501-G-C.
Other names: c.99C>G, p.Cys33Trp (NM_001039476.3); c.402C>G, p.Cys134Trp (NM_001243247.2); c.561C>G, p.Cys187Trp (NM_001243248.2, NM_001243249.2); short protein forms C212W, C33W, C187W, C134W.
Identifiers: ClinVar variation 659430 (VCV000659430.11), dbSNP rs769173039, ClinGen allele CA7769589.